The following is an entry in ClinVar:

NM_033026.6(PCLO):c.3432A>G (p.Ser1144=)

Gene: PCLO (piccolo presynaptic cytomatrix protein; minus strand). Cytogenetic location: 7q21.11.
Variant type: single nucleotide variant.
Coding change: c.3432A>G on transcript NM_033026.6 (MANE Select); coding-DNA position 3432, A replaced by G.
Protein change: p.Ser1144=; no amino-acid change (serine 1144 retained).
Molecular consequence: synonymous variant.
Genome position (GRCh38, 1-based): chr7:82,966,356, T>C on the plus strand (A>G on the coding strand, the complement: PCLO is on the minus strand). VCF-style: chr7-82966356-T-C. GRCh37 (hg19) VCF-style: chr7-82595672-T-C.
Other names: c.3432A>G, p.Ser1144= (NM_014510.3); c.3432A>G (NM_033026.5).
Identifiers: ClinVar variation 1119674 (VCV001119674.33), dbSNP rs201057828, ClinGen allele CA4321040.
Genomic context (GRCh38, chr7:82,966,356, plus strand): 5'-TACTTCTTGTTCTTGCTTTTTCACTAATTTTACTTGGGGAGGCACTGCTGTTTTCTGAGA[T>C]GATGATTCTGTAGGAACAGGCATAGGAGATGCTTTGGGTCCTGATGGTGCAGGTGGCATT-3'
Protein context (NP_149015.2, residues 1134-1154): ASPMPVPTES[Ser1144=]SQKTAVPPQV

ClinVar aggregate classification (germline): Likely benign. Review status: criteria provided, multiple submitters, no conflicts (2 of 4 stars). 4 submissions from 4 submitters: Likely benign (3). 1 of the submissions does not count toward it. Last evaluated 2025-11-06.

Conditions:
PCLO-related disorder. Also called: PCLO-related condition.

Allele frequency attached by ClinVar (database versions not stated): ExAC 0.00020; gnomAD exomes 0.00020 and 0.00052; ESP Exome Variant Server 0.00024; TOPMed 0.00030; gnomAD 0.00032 and 0.00033.
gnomAD v4.1: 801 of 1,613,790 alleles (0.05%); highest among the groups gnomAD compares: Non-Finnish European, 0.064%; 1 homozygote.

Submissions (4):

Labcorp Genetics (formerly Invitae), Labcorp
Classification: Likely benign. Last evaluated: 2025-11-06. Review status: criteria provided, single submitter. Criteria: Invitae Variant Classification Sherloc (09022015). Collection method: clinical testing. Allele origin: germline.

Blueprint Genetics
Classification: Likely benign. Last evaluated: 2024-11-21. Review status: criteria provided, single submitter. Criteria: ACMG Guidelines, 2015. Collection method: clinical testing. Allele origin: germline.

CeGaT Center for Human Genetics Tuebingen
Classification: Likely benign. Last evaluated: 2022-08-01. Review status: criteria provided, single submitter. Criteria: CeGaT Center For Human Genetics Tuebingen Variant Classification Criteria Version 2. Collection method: clinical testing. Allele origin: germline. Affected: yes. Observed: 1 variant allele.
Comment: PCLO: BP4, BP7

PreventionGenetics, part of Exact Sciences
Classification: Likely benign for PCLO-related condition. Last evaluated: 2024-07-11. Review status: no assertion criteria provided. Collection method: clinical testing. Allele origin: germline. Not counted in ClinVar's aggregate classification.
Comment: This variant is classified as likely benign based on ACMG/AMP sequence variant interpretation guidelines (Richards et al. 2015 PMID: 25741868, with internal and published modifications).